The following is an entry in ClinVar:

NM_004429.5(EFNB1):c.595C>T (p.Arg199Trp)

Gene: EFNB1 (ephrin B1; plus strand). Cytogenetic location: Xq13.1.
Variant type: single nucleotide variant.
Coding change: c.595C>T on transcript NM_004429.5 (MANE Select); coding-DNA position 595, C replaced by T.
Protein change: p.Arg199Trp; replaces arginine 199 with tryptophan.
Molecular consequence: missense variant.
Genome position (GRCh38, 1-based): chrX:68,840,055, C>T. VCF-style: chrX-68840055-C-T. GRCh37 (hg19) VCF-style: chrX-68059898-C-T.
Other names: short protein forms R199W.
Identifiers: ClinVar variation 3507039 (VCV003507039.3).

ClinVar aggregate classification (germline): Uncertain significance. Review status: criteria provided, multiple submitters, no conflicts (2 of 4 stars). 2 submissions from 2 submitters: Uncertain significance (2). Last evaluated 2025-07-07.

Conditions:
Inborn genetic diseases. Identifiers: MedGen C0950123, MeSH D030342.

gnomAD v4.1: 48 of 1,210,457 alleles (0.004%); highest among the groups gnomAD compares: African/African-American, 0.0052%; no homozygotes.

Submissions (2):

Labcorp Genetics (formerly Invitae), Labcorp
Classification: Uncertain significance. Last evaluated: 2025-07-07. Review status: criteria provided, single submitter. Criteria: Invitae Variant Classification Sherloc (09022015). Collection method: clinical testing. Allele origin: germline.
Comment: This sequence change replaces arginine, which is basic and polar, with tryptophan, which is neutral and slightly polar, at codon 199 of the EFNB1 protein (p.Arg199Trp). This variant is present in population databases (rs546056194, gnomAD 0.001%). This variant has not been reported in the literature in individuals affected with EFNB1-related conditions. ClinVar contains an entry for this variant (Variation ID: 3507039). Invitae Evidence Modeling of protein sequence and biophysical properties (such as structural, functional, and spatial information, amino acid conservation, physicochemical variation, residue mobility, and thermodynamic stability) indicates that this missense variant is not expected to disrupt EFNB1 protein function with a negative predictive value of 80%. In summary, the available evidence is currently insufficient to determine the role of this variant in disease. Therefore, it has been classified as a Variant of Uncertain Significance.

Ambry Genetics
Classification: Uncertain significance for Inborn genetic diseases. Last evaluated: 2024-11-07. Review status: criteria provided, single submitter. Criteria: Ambry Variant Classification Scheme 2023. Collection method: clinical testing. Allele origin: germline.